The following is an entry in ClinVar:

NM_004380.3(CREBBP):c.6678G>A (p.Ala2226=)

Gene: CREBBP (CREB binding lysine acetyltransferase; minus strand). Cytogenetic location: 16p13.3.
Variant type: single nucleotide variant.
Coding change: c.6678G>A on transcript NM_004380.3 (MANE Select); coding-DNA position 6678, G replaced by A.
Protein change: p.Ala2226=; no amino-acid change (alanine 2226 retained).
Molecular consequence: synonymous variant.
Genome position (GRCh38, 1-based): chr16:3,728,369, C>T on the plus strand (G>A on the coding strand, the complement: CREBBP is on the minus strand). VCF-style: chr16-3728369-C-T. GRCh37 (hg19) VCF-style: chr16-3778370-C-T.
Other names: c.6564G>A, p.Ala2188= (NM_001079846.1); c.6678G>A (NM_004380.2).
Identifiers: ClinVar variation 283516 (VCV000283516.33), dbSNP rs750845399, ClinGen allele CA7869029.
Genomic context (GRCh38, chr16:3,728,369, plus strand): 5'-CTGCTGCATGGCCGGTGGGTAGCCTCCGGGTCCTTGAGGCTGCTGGAACTGGCCGTGCCC[C>T]GCCATGCCCCCAGCCATGCCGGCACTCCCTTGCTGCTGCTGCTGTTGCTGCTGTTGTTGC-3'
Protein context (NP_004371.2, residues 2216-2236): QGSAGMAGGM[Ala2226=]GHGQFQQPQG

ClinVar aggregate classification (germline): Conflicting classifications of pathogenicity. Review status: criteria provided, conflicting classifications (1 of 4 stars). 6 submissions from 6 submitters: Uncertain significance (2); Benign (1); Likely benign (2). 1 of the submissions does not count toward it. Last evaluated 2025-05-09.

Conditions:
Rubinstein-Taybi syndrome (RSTS). Identifiers: Orphanet 783, MedGen C0035934, MONDO:0019188.
Rubinstein-Taybi syndrome due to CREBBP mutations (RSTS1). Also called: BROAD THUMB-HALLUX SYNDROME; RUBINSTEIN SYNDROME; CREBBP-Related Rubinstein-Taybi Syndrome; BROAD THUMBS AND GREAT TOES, CHARACTERISTIC FACIES, AND IMPAIRED INTELLECTUAL DEVELOPMENT; RUBINSTEIN-TAYBI SYNDROME 1, INCOMPLETE; Rubinstein-Taybi syndrome 1. Identifiers: Orphanet 353277, Orphanet 783, MedGen C4551859, MONDO:0008393, OMIM 180849.
Menke-Hennekam syndrome 1 (MKHK1). Identifiers: MedGen C5193034, MONDO:0020763, OMIM 618332.
CREBBP-related disorder. Also called: CREBBP-related disorders; CREBBP-related condition.

Allele frequency attached by ClinVar (database versions not stated): ExAC 0.00003; gnomAD 0.00003 and 0.00004; gnomAD exomes 0.00003; TOPMed 0.00007.
gnomAD v4.1: 58 of 1,612,834 alleles (0.0036%); highest among the groups gnomAD compares: Admixed American, 0.005%; no homozygotes.

Submissions (6):

Labcorp Genetics (formerly Invitae), Labcorp
Classification: Benign for Rubinstein-Taybi syndrome. Last evaluated: 2025-05-09. Review status: criteria provided, single submitter. Criteria: Invitae Variant Classification Sherloc (09022015). Collection method: clinical testing. Allele origin: germline.

CeGaT Center for Human Genetics Tuebingen
Classification: Likely benign. Last evaluated: 2024-03-01. Review status: criteria provided, single submitter. Criteria: CeGaT Center For Human Genetics Tuebingen Variant Classification Criteria Version 2. Collection method: clinical testing. Allele origin: germline. Affected: yes. Observed: 1 variant allele.
Comment: CREBBP: BP4, BP7

Blueprint Genetics
Classification: Likely benign. Last evaluated: 2022-09-01. Review status: criteria provided, single submitter. Criteria: ACMG Guidelines, 2015. Collection method: clinical testing. Allele origin: germline.

Fulgent Genetics
Classification: Uncertain significance for Rubinstein-Taybi syndrome due to CREBBP mutations; Menke-Hennekam syndrome 1. Last evaluated: 2021-09-20. Review status: criteria provided, single submitter. Criteria: ACMG Guidelines, 2015. Collection method: clinical testing. Allele origin: unknown.

Eurofins Ntd Llc (ga)
Classification: Uncertain significance. Last evaluated: 2015-10-02. Review status: criteria provided, single submitter. Criteria: EGL Classification Definitions 2015. Collection method: clinical testing. Allele origin: germline. Observed: 1 variant allele, 1 heterozygote.

PreventionGenetics, part of Exact Sciences
Classification: Likely benign for CREBBP-related condition. Last evaluated: 2023-11-06. Review status: no assertion criteria provided. Collection method: clinical testing. Allele origin: germline. Not counted in ClinVar's aggregate classification.
Comment: This variant is classified as likely benign based on ACMG/AMP sequence variant interpretation guidelines (Richards et al. 2015 PMID: 25741868, with internal and published modifications).